The following is an entry in ClinVar:

ClinVar aggregate classification (germline): Uncertain significance. Review status: criteria provided, multiple submitters, no conflicts (2 of 4 stars). 3 submissions from 3 submitters: Uncertain significance (3). Last evaluated 2025-10-18.

Conditions:
Hereditary pancreatitis (PCTT). Also called: Hereditary chronic pancreatitis; PRSS1-Related Hereditary Pancreatitis. Identifiers: Orphanet 676, MedGen C0238339, MONDO:0008185, OMIM 167800.

Allele frequency attached by ClinVar (database versions not stated): gnomAD 0.00001; gnomAD exomes 0.00002; TOPMed 0.00002.
gnomAD v4.1: 27 of 1,614,086 alleles (0.0017%); highest among the groups gnomAD compares: South Asian, 0.0055%; no homozygotes.

Submissions (3):

Ambry Genetics
Classification: Uncertain significance for Hereditary pancreatitis. Last evaluated: 2025-10-18. Review status: criteria provided, single submitter. Criteria: Ambry Variant Classification Scheme 2023. Collection method: clinical testing. Allele origin: germline.

Labcorp Genetics (formerly Invitae), Labcorp
Classification: Uncertain significance for Hereditary pancreatitis. Last evaluated: 2025-07-09. Review status: criteria provided, single submitter. Criteria: Invitae Variant Classification Sherloc (09022015). Collection method: clinical testing. Allele origin: germline.
Comment: This sequence change replaces valine, which is neutral and non-polar, with isoleucine, which is neutral and non-polar, at codon 208 of the CTRC protein (p.Val208Ile). This variant is present in population databases (no rsID available, gnomAD 0.004%). This variant has not been reported in the literature in individuals affected with CTRC-related conditions. ClinVar contains an entry for this variant (Variation ID: 1752331). Invitae Evidence Modeling of protein sequence and biophysical properties (such as structural, functional, and spatial information, amino acid conservation, physicochemical variation, residue mobility, and thermodynamic stability) indicates that this missense variant is not expected to disrupt CTRC protein function with a negative predictive value of 95%. In summary, the available evidence is currently insufficient to determine the role of this variant in disease. Therefore, it has been classified as a Variant of Uncertain Significance.

Fulgent Genetics
Classification: Uncertain significance for Hereditary pancreatitis. Last evaluated: 2024-02-28. Review status: criteria provided, single submitter. Criteria: ACMG Guidelines, 2015. Collection method: clinical testing. Allele origin: germline.

NM_007272.3(CTRC):c.622G>A (p.Val208Ile)

Gene: CTRC (chymotrypsin C; plus strand). Cytogenetic location: 1p36.21.
Variant type: single nucleotide variant.
Coding change: c.622G>A on transcript NM_007272.3 (MANE Select); coding-DNA position 622, G replaced by A.
Protein change: p.Val208Ile; replaces valine 208 with isoleucine.
Molecular consequence: missense variant.
Genome position (GRCh38, 1-based): chr1:15,444,734, G>A. VCF-style: chr1-15444734-G-A. GRCh37 (hg19) VCF-style: chr1-15771229-G-A.
Other names: short protein forms V208I.
Identifiers: ClinVar variation 1752331 (VCV001752331.11), dbSNP rs1472934141, ClinGen allele CA338567532.